The following is an entry in ClinVar:

ClinVar aggregate classification (germline): Uncertain significance (1 of 4 stars; one submission).

Submission:

GeneDx
Classification: Uncertain significance. Last evaluated: 2024-06-04. Review status: criteria provided, single submitter. Criteria: GeneDx Variant Classification Process June 2021. Collection method: clinical testing. Allele origin: germline. Affected: yes.
Comment: Not observed at significant frequency in large population cohorts (gnomAD); In silico analysis indicates that this missense variant does not alter protein structure/function; Has not been previously published as pathogenic or benign to our knowledge

NM_138694.4(PKHD1):c.12200C>A (p.Pro4067Gln)

Gene: PKHD1 (PKHD1 ciliary IPT domain containing fibrocystin/polyductin; minus strand). Cytogenetic location: 6p12.3.
Variant type: single nucleotide variant.
Coding change: c.12200C>A on transcript NM_138694.4 (MANE Select); coding-DNA position 12200, C replaced by A.
Protein change: p.Pro4067Gln; replaces proline 4067 with glutamine.
Molecular consequence: missense variant.
Genome position (GRCh38, 1-based): chr6:51,619,106, G>T on the plus strand (C>A on the coding strand, the complement: PKHD1 is on the minus strand). VCF-style: chr6-51619106-G-T. GRCh37 (hg19) VCF-style: chr6-51483904-G-T.
Other names: short protein forms P4067Q.
Identifiers: ClinVar variation 3384632 (VCV003384632.1).